The following is an entry in ClinVar:

NM_000059.4(BRCA2):c.868G>A (p.Val290Ile)

Gene: BRCA2 (BRCA2 DNA repair associated; plus strand). Cytogenetic location: 13q13.1.
Variant type: single nucleotide variant.
Coding change: c.868G>A on transcript NM_000059.4 (MANE Select); coding-DNA position 868, G replaced by A.
Protein change: p.Val290Ile; replaces valine 290 with isoleucine.
Molecular consequence: missense variant.
Genome position (GRCh38, 1-based): chr13:32,332,346, G>A. VCF-style: chr13-32332346-G-A. GRCh37 (hg19) VCF-style: chr13-32906483-G-A.
Other names: c.868G>A, p.Val290Ile (NM_001406719.1, NM_001406720.1, NM_001406721.1); short protein forms V290I.
Identifiers: ClinVar variation 1720024 (VCV001720024.8), dbSNP rs1555281616, ClinGen allele CA387760590.

ClinVar aggregate classification (germline): Conflicting classifications of pathogenicity. Review status: criteria provided, conflicting classifications (1 of 4 stars). 3 submissions from 3 submitters: Uncertain significance (2); Likely benign (1). Last evaluated 2025-03-05.

Conditions:
Hereditary cancer-predisposing syndrome. Also called: Hereditary neoplastic syndrome; Neoplastic Syndromes, Hereditary; Hereditary Cancer Syndrome; Tumor predisposition. Identifiers: Orphanet 140162, MedGen C0027672, MeSH D009386, MONDO:0015356.
Hereditary breast ovarian cancer syndrome. Also called: BRCA1- and BRCA2-Associated Hereditary Breast and Ovarian Cancer; Hereditary breast and ovarian cancer syndrome (HBOC); Hereditary breast and/or ovarian cancer syndrome; Hereditary breast and ovarian cancer syndrome; Hereditary breast and ovarian cancer; Breast and ovarian cancer. Identifiers: Orphanet 145, MedGen C0677776, MeSH D061325, MONDO:0003582. Disease mechanism: loss of function.

Submissions (3):

Ambry Genetics
Classification: Uncertain significance for Hereditary cancer-predisposing syndrome. Last evaluated: 2025-03-05. Review status: criteria provided, single submitter. Criteria: Ambry Variant Classification Scheme 2023. Collection method: clinical testing. Allele origin: germline.
Comment: The p.V290I variant (also known as c.868G>A), located in coding exon 9 of the BRCA2 gene, results from a G to A substitution at nucleotide position 868. The valine at codon 290 is replaced by isoleucine, an amino acid with highly similar properties. This amino acid position is conserved. In addition, this alteration is predicted to be tolerated by in silico analysis. Based on the available evidence, the clinical significance of this variant remains unclear.

University of Washington Department of Laboratory Medicine, University of Washington
Classification: Likely benign for Hereditary cancer-predisposing syndrome. Last evaluated: 2023-03-23. Review status: criteria provided, single submitter. Criteria: Dines et al. (Genet Med. 2020). Collection method: curation. Allele origin: germline.
Comment: Missense variant in a coldspot region where missense variants are very unlikely to be pathogenic (PMID:31911673).

BRCA2 exon 10 coldspot. Reclassification based on statistical prior probability.

Labcorp Genetics (formerly Invitae), Labcorp
Classification: Uncertain significance for Hereditary breast ovarian cancer syndrome. Last evaluated: 2022-07-20. Review status: criteria provided, single submitter. Criteria: Invitae Variant Classification Sherloc (09022015). Collection method: clinical testing. Allele origin: germline.
Comment: This sequence change replaces valine, which is neutral and non-polar, with isoleucine, which is neutral and non-polar, at codon 290 of the BRCA2 protein (p.Val290Ile). This variant is not present in population databases (gnomAD no frequency). This variant has not been reported in the literature in individuals affected with BRCA2-related conditions. Advanced modeling of protein sequence and biophysical properties (such as structural, functional, and spatial information, amino acid conservation, physicochemical variation, residue mobility, and thermodynamic stability) performed at Invitae indicates that this missense variant is not expected to disrupt BRCA2 protein function. In summary, the available evidence is currently insufficient to determine the role of this variant in disease. Therefore, it has been classified as a Variant of Uncertain Significance.